The following is an entry in ClinVar:

NM_020631.6(PLEKHG5):c.1230G>C (p.Arg410=)

Gene: PLEKHG5 (pleckstrin homology and RhoGEF domain containing G5; minus strand). Cytogenetic location: 1p36.31.
Variant type: single nucleotide variant.
Coding change: c.1230G>C on transcript NM_020631.6 (MANE Select); coding-DNA position 1230, G replaced by C.
Protein change: p.Arg410=; no amino-acid change (arginine 410 retained).
Molecular consequence: synonymous variant.
Genome position (GRCh38, 1-based): chr1:6,471,539, C>G on the plus strand (G>C on the coding strand, the complement: PLEKHG5 is on the minus strand). VCF-style: chr1-6471539-C-G. GRCh37 (hg19) VCF-style: chr1-6531599-C-G.
Other names: c.1230G>C, p.Arg410= (NM_198681.4, NM_001042664.2, NM_001042665.2 and 1 more transcripts); c.1341G>C, p.Arg447= (NM_001042663.3, NM_001265592.2); c.1437G>C, p.Arg479= (NM_001265593.2).
Identifiers: ClinVar variation 2638123 (VCV002638123.27), dbSNP rs775775743, ClinGen allele CA415832143.
Genomic context (GRCh38, chr1:6,471,539, plus strand): 5'-CGCCCGTACCATCTTGAAGCCTTTGAGGAAGTCCCCGGGCTGTAGCAGCGCTCGCGTGCG[C>G]CGCGCCTTCTCCAGCACCGGCGCCATCACGCTAGCCCACAGCCTGCGGTGCAGCTGCGCG-3'
Protein context (NP_065682.2, residues 400-420): SVMAPVLEKA[Arg410=]RTRALLQPGD

ClinVar aggregate classification (germline): Likely benign. Review status: criteria provided, multiple submitters, no conflicts (2 of 4 stars). 2 submissions from 2 submitters: Likely benign (2). Last evaluated 2024-02-22.

Conditions:
Neuronopathy, distal hereditary motor, autosomal recessive 4. Also called: Autosomal recessive lower motor neuron disease with childhood onset; NEUROPATHY, DISTAL HEREDITARY MOTOR, AUTOSOMAL RECESSIVE 4. Identifiers: Orphanet 206580, MedGen C1970211, MONDO:0012608, OMIM 611067.
Charcot-Marie-Tooth disease recessive intermediate C. Also called: CHARCOT-MARIE-TOOTH NEUROPATHY, RECESSIVE INTERMEDIATE C. Identifiers: Orphanet 369867, MedGen C3809309, MONDO:0014154, OMIM 615376.

gnomAD v4.1: 1 of 1,609,196 alleles (0.000062%); highest among the groups gnomAD compares: Non-Finnish European, 0.000085%; no homozygotes.

Submissions (2):

Labcorp Genetics (formerly Invitae), Labcorp
Classification: Likely benign for Neuronopathy, distal hereditary motor, autosomal recessive 4; Charcot-Marie-Tooth disease recessive intermediate C. Last evaluated: 2024-02-22. Review status: criteria provided, single submitter. Criteria: Invitae Variant Classification Sherloc (09022015). Collection method: clinical testing. Allele origin: germline.

CeGaT Center for Human Genetics Tuebingen
Classification: Likely benign. Last evaluated: 2023-01-01. Review status: criteria provided, single submitter. Criteria: CeGaT Center For Human Genetics Tuebingen Variant Classification Criteria Version 2. Collection method: clinical testing. Allele origin: germline. Affected: yes. Observed: 1 variant allele.
Comment: PLEKHG5: PM2:Supporting, BP4, BP7